The following is an entry in ClinVar:

NM_005762.3(TRIM28):c.2400C>T (p.Phe800=)

Gene: TRIM28 (tripartite motif containing 28; plus strand). Cytogenetic location: 19q13.43.
Variant type: single nucleotide variant.
Coding change: c.2400C>T on transcript NM_005762.3 (MANE Select); coding-DNA position 2400, C replaced by T.
Protein change: p.Phe800=; no amino-acid change (phenylalanine 800 retained).
Molecular consequence: synonymous variant.
Genome position (GRCh38, 1-based): chr19:58,550,445, C>T. VCF-style: chr19-58550445-C-T. GRCh37 (hg19) VCF-style: chr19-59061812-C-T.
Identifiers: ClinVar variation 3632823 (VCV003632823.2).
Genomic context (GRCh38, chr19:58,550,445, plus strand): 5'-AGACGTGCAGTCCATCATCGGCCTGCAGCGCTTCTTCGAGACGCGCATGAACGAGGCCTT[C>T]GGTGACACCAAGTTCTCTGCTGTGCTGGTGGAGCCCCCGCCGATGAGCCTGCCTGGTGCT-3'
Protein context (NP_005753.1, residues 790-810): RFFETRMNEA[Phe800=]GDTKFSAVLV

ClinVar aggregate classification (germline): Uncertain significance (1 of 4 stars; one submission).

Submission:

Labcorp Genetics (formerly Invitae), Labcorp
Classification: Uncertain significance. Last evaluated: 2025-01-15. Review status: criteria provided, single submitter. Criteria: Invitae Variant Classification Sherloc (09022015). Collection method: clinical testing. Allele origin: germline.
Comment: This sequence change affects codon 800 of the TRIM28 mRNA. It is a 'silent' change, meaning that it does not change the encoded amino acid sequence of the TRIM28 protein. This variant is present in population databases (rs377515409, gnomAD 0.01%). This variant has not been reported in the literature in individuals affected with TRIM28-related conditions. Experimental studies and prediction algorithms are not available or were not evaluated, and the effect of this variant on mRNA splicing is currently unknown. In summary, the available evidence is currently insufficient to determine the role of this variant in disease. Therefore, it has been classified as a Variant of Uncertain Significance.